The following is an entry in ClinVar:

NM_001242908.2(RSPO1):c.432T>A (p.Ser144Arg)

Gene: RSPO1 (R-spondin 1; minus strand). Cytogenetic location: 1p34.3.
Variant type: single nucleotide variant.
Coding change: c.432T>A on transcript NM_001242908.2 (MANE Select); coding-DNA position 432, T replaced by A.
Protein change: p.Ser144Arg; replaces serine 144 with arginine.
Molecular consequence: missense variant.
Genome position (GRCh38, 1-based): chr1:37,614,188, A>T on the plus strand (T>A on the coding strand, the complement: RSPO1 is on the minus strand). VCF-style: chr1-37614188-A-T. GRCh37 (hg19) VCF-style: chr1-38079860-A-T.
Other names: c.432T>A, p.Ser144Arg (NM_001038633.4, NM_001242910.2); c.351T>A, p.Ser117Arg (NM_001242909.2); c.432T>A (NM_001038633.3); short protein forms S144R, S117R.
Identifiers: ClinVar variation 1405348 (VCV001405348.6), dbSNP rs766373557, ClinGen allele CA772643.
Genomic context (GRCh38, chr1:37,614,188, plus strand): 5'-CGGCCCCTCCTTCTGGGGTCCTGGACCCTCTGCCCACAGTGCCTGCCATGGCTTACCAGG[A>T]CTACTGCACTCCATGGTGCCATTGGCAGCTGAGGAGCCCTCGGGACAAGCTGGATAGCAG-3'
Protein context (NP_001229837.1, residues 134-154): SAANGTMECS[Ser144Arg]PAQCEMSEWS

ClinVar aggregate classification (germline): Uncertain significance. Review status: criteria provided, multiple submitters, no conflicts (2 of 4 stars). 2 submissions from 2 submitters: Uncertain significance (2). Last evaluated 2025-08-22.

Conditions:
Inborn genetic diseases. Identifiers: MedGen C0950123, MeSH D030342.

Allele frequency attached by ClinVar (database versions not stated): ExAC 0.00002; gnomAD exomes 0.00003 and 0.00007; gnomAD 0.00008 and 0.00009; TOPMed 0.00008.

Submissions (2):

Ambry Genetics
Classification: Uncertain significance for Inborn genetic diseases. Last evaluated: 2025-08-22. Review status: criteria provided, single submitter. Criteria: Ambry Variant Classification Scheme 2023. Collection method: clinical testing. Allele origin: germline.

Labcorp Genetics (formerly Invitae), Labcorp
Classification: Uncertain significance. Last evaluated: 2021-08-31. Review status: criteria provided, single submitter. Criteria: Invitae Variant Classification Sherloc (09022015). Collection method: clinical testing. Allele origin: germline.
Comment: This sequence change replaces serine with arginine at codon 144 of the RSPO1 protein (p.Ser144Arg). The serine residue is highly conserved and there is a moderate physicochemical difference between serine and arginine. This variant is present in population databases (rs766373557, ExAC 0.02%). This variant has not been reported in the literature in individuals affected with RSPO1-related conditions. Algorithms developed to predict the effect of missense changes on protein structure and function are either unavailable or do not agree on the potential impact of this missense change (SIFT: "Deleterious"; PolyPhen-2: "Benign"; Align-GVGD: "Class C65"). In summary, the available evidence is currently insufficient to determine the role of this variant in disease. Therefore, it has been classified as a Variant of Uncertain Significance.